The following is an entry in ClinVar:

NM_006577.6(B3GNT2):c.1077G>A (p.Glu359=)

Gene: B3GNT2 (UDP-GlcNAc:betaGal beta-1,3-N-acetylglucosaminyltransferase 2; plus strand). Cytogenetic location: 2p15.
Variant type: single nucleotide variant.
Coding change: c.1077G>A on transcript NM_006577.6 (MANE Select); coding-DNA position 1077, G replaced by A.
Protein change: p.Glu359=; no amino-acid change (glutamic acid 359 retained).
Molecular consequence: synonymous variant.
Genome position (GRCh38, 1-based): chr2:62,223,297, G>A. VCF-style: chr2-62223297-G-A. GRCh37 (hg19) VCF-style: chr2-62450432-G-A.
Other names: c.1077G>A, p.Glu359= (NM_001319075.2).
Identifiers: ClinVar variation 4873133 (VCV004873133.2).
Genomic context (GRCh38, chr2:62,223,297, plus strand): 5'-CCTTCAGAAACTCGGCCTCGTTCCAGAGAAACACAAAGGCTTCAGGACATTTGATATCGA[G>A]GAGAAAAACAAAAATAACATCTGCTCCTATGTAGATCTGATGTTAGTACATAGTAGAAAA-3'
Protein context (NP_006568.2, residues 349-369): KHKGFRTFDI[Glu359=]EKNKNNICSY

ClinVar aggregate classification (germline): Likely benign (1 of 4 stars; one submission).

Submission:

CeGaT Center for Human Genetics Tuebingen
Classification: Likely benign. Last evaluated: 2026-05-01. Review status: criteria provided, single submitter. Criteria: CeGaT Center For Human Genetics Tuebingen Variant Classification Criteria Version 2. Collection method: clinical testing. Allele origin: germline. Affected: yes. Observed: 1 variant allele.
Comment: B3GNT2: BP4, BP7